The following is an entry in ClinVar:

NM_006949.4(STXBP2):c.1382del (p.Glu461fs)

Gene: STXBP2 (syntaxin binding protein 2; plus strand). Cytogenetic location: 19p13.2.
Variant type: Deletion.
Coding change: c.1382del on transcript NM_006949.4 (MANE Select); coding-DNA position 1382, one base deleted (A; older notation c.1382delA).
Protein change: p.Glu461fs; shifts the reading frame from glutamic acid 461.
Molecular consequence: frameshift variant. On other transcripts: non-coding transcript variant (1).
Genome position (GRCh38, 1-based): chr19:7,646,274, A deleted. VCF-style (leftmost placement, unchanged base first): chr19-7646273-GA-G. GRCh37 (hg19) VCF-style: chr19-7711159-GA-G.
Other names: c.1373del, p.Glu458fs (NM_001127396.3); c.1415del, p.Glu472fs (NM_001272034.2); c.1286del, p.Glu429fs (NM_001414484.1); short protein forms E429fs, E458fs, E472fs, E461fs.
Identifiers: ClinVar variation 2793176 (VCV002793176.3), dbSNP rs2512711277, ClinGen allele CA2739276396.

ClinVar aggregate classification (germline): Pathogenic (1 of 4 stars; one submission).

Conditions:
Familial hemophagocytic lymphohistiocytosis 5. Also called: STXBP2-Related Familial Hemophagocytic Lymphohistiocytosis (STXBP2-fHLH). Identifiers: Orphanet 540, MedGen C2751293, MONDO:0013135, OMIM 613101.

Submission:

Labcorp Genetics (formerly Invitae), Labcorp
Classification: Pathogenic for Familial hemophagocytic lymphohistiocytosis 5. Last evaluated: 2023-06-16. Review status: criteria provided, single submitter. Criteria: Invitae Variant Classification Sherloc (09022015). Collection method: clinical testing. Allele origin: germline.
Comment: For these reasons, this variant has been classified as Pathogenic. This variant has not been reported in the literature in individuals affected with STXBP2-related conditions. This variant is not present in population databases (gnomAD no frequency). This sequence change creates a premature translational stop signal (p.Glu461Glyfs*22) in the STXBP2 gene. It is expected to result in an absent or disrupted protein product. Loss-of-function variants in STXBP2 are known to be pathogenic (PMID: 19804848, 22451424).

Literature cited by the submitters: PubMed 19804848; PubMed 22451424.